The following is an entry in ClinVar:

NC_000016.10:g.(?_89764807)_(89805402_?)del

Genes: FANCA (FA complementation group A; minus strand), LOC130059837 (ATAC-STARR-seq lymphoblastoid active region 11420; plus strand), LOC130059838 (ATAC-STARR-seq lymphoblastoid active region 11421; plus strand). Cytogenetic location: 16q24.3.
Variant type: Deletion.
Identifiers: ClinVar variation 653531 (VCV000653531.6).

ClinVar aggregate classification (germline): Pathogenic (1 of 4 stars; one submission).

Conditions:
Fanconi anemia (FA). Also called: Fanconi's anemia. Identifiers: Orphanet 84, MedGen C0015625, MeSH D005199, MONDO:0019391.

Submission:

Labcorp Genetics (formerly Invitae), Labcorp
Classification: Pathogenic for Fanconi anemia. Last evaluated: 2020-09-23. Review status: criteria provided, single submitter. Criteria: Invitae Variant Classification Sherloc (09022015). Collection method: clinical testing. Allele origin: germline.
Comment: This variant is an out-of-frame deletion of the genomic region encompassing exons 7-28¬†of the FANCA gene. This is expected to create a premature translational stop signal and result in an absent or disrupted protein product. This variant has not been reported in the literature in individuals with FANCA-related disease. Loss-of-function variants in FANCA are known to be pathogenic (PMID: 19367192). For these reasons, this variant has been classified as Pathogenic.

Literature cited by the submitters: PubMed 19367192.